The following is an entry in ClinVar:

ClinVar aggregate classification (germline): Uncertain significance (1 of 4 stars; one submission).

Allele frequency attached by ClinVar (database versions not stated): ExAC 0.00001; TOPMed 0.00002; gnomAD 0.00002; gnomAD exomes below 0.00001; ESP Exome Variant Server 0.00008.
gnomAD v4.1: 7 of 1,614,092 alleles (0.00043%); highest among the groups gnomAD compares: African/African-American, 0.0027%; no homozygotes.

Submission:

Labcorp Genetics (formerly Invitae), Labcorp
Classification: Uncertain significance. Last evaluated: 2023-07-18. Review status: criteria provided, single submitter. Criteria: Invitae Variant Classification Sherloc (09022015). Collection method: clinical testing. Allele origin: germline.
Comment: This variant is not present in population databases (gnomAD no frequency). In summary, the available evidence is currently insufficient to determine the role of this variant in disease. Therefore, it has been classified as a Variant of Uncertain Significance. Advanced modeling of protein sequence and biophysical properties (such as structural, functional, and spatial information, amino acid conservation, physicochemical variation, residue mobility, and thermodynamic stability) performed at Invitae indicates that this missense variant is not expected to disrupt NEFH protein function. ClinVar contains an entry for this variant (Variation ID: 2066269). This variant has not been reported in the literature in individuals affected with NEFH-related conditions. This sequence change replaces valine, which is neutral and non-polar, with isoleucine, which is neutral and non-polar, at codon 520 of the NEFH protein (p.Val520Ile).

NM_021076.4(NEFH):c.1558G>A (p.Val520Ile)

Gene: NEFH (neurofilament heavy chain; plus strand). Cytogenetic location: 22q12.2.
Variant type: single nucleotide variant.
Coding change: c.1558G>A on transcript NM_021076.4 (MANE Select); coding-DNA position 1558, G replaced by A.
Protein change: p.Val520Ile; replaces valine 520 with isoleucine.
Molecular consequence: missense variant.
Genome position (GRCh38, 1-based): chr22:29,489,198, G>A. VCF-style: chr22-29489198-G-A. GRCh37 (hg19) VCF-style: chr22-29885187-G-A.
Other names: short protein forms V520I.
Identifiers: ClinVar variation 2066269 (VCV002066269.4), dbSNP rs372466218, ClinGen allele CA10174231.